The following is an entry in ClinVar:

NM_004006.3(DMD):c.4170C>G (p.Asp1390Glu)

Gene: DMD (dystrophin; minus strand). Cytogenetic location: Xp21.1.
Variant type: single nucleotide variant.
Coding change: c.4170C>G on transcript NM_004006.3 (MANE Select); coding-DNA position 4170, C replaced by G.
Protein change: p.Asp1390Glu; replaces aspartic acid 1390 with glutamic acid.
Molecular consequence: missense variant.
Genome position (GRCh38, 1-based): chrX:32,411,815, G>C on the plus strand (C>G on the coding strand, the complement: DMD is on the minus strand). VCF-style: chrX-32411815-G-C. GRCh37 (hg19) VCF-style: chrX-32429932-G-C.
Other names: c.4146C>G, p.Asp1382Glu (NM_000109.4); c.4158C>G, p.Asp1386Glu (NM_004009.3); c.3801C>G, p.Asp1267Glu (NM_004010.3); c.147C>G, p.Asp49Glu (NM_004011.4); c.138C>G, p.Asp46Glu (NM_004012.4); short protein forms D1390E, D1386E, D1267E, D1382E, D49E, D46E.
Identifiers: ClinVar variation 287665 (VCV000287665.7), dbSNP rs886043687, ClinGen allele CA10605826.

ClinVar aggregate classification (germline): Uncertain significance. Review status: criteria provided, multiple submitters, no conflicts (2 of 4 stars). 2 submissions from 2 submitters: Uncertain significance (2). Last evaluated 2022-10-18.

Conditions:
Duchenne muscular dystrophy (DMD). Also called: Duchenne Muscular Dystrophy (DMD); MUSCULAR DYSTROPHY, PSEUDOHYPERTROPHIC PROGRESSIVE, DUCHENNE TYPE. Identifiers: Orphanet 98896, MedGen C0013264, MONDO:0010679, OMIM 310200.

gnomAD v4.1: 7 of 1,210,966 alleles (0.00058%); highest among the groups gnomAD compares: Non-Finnish European, 0.00078%; no homozygotes.

Submissions (2):

Labcorp Genetics (formerly Invitae), Labcorp
Classification: Uncertain significance for Duchenne muscular dystrophy. Last evaluated: 2022-10-18. Review status: criteria provided, single submitter. Criteria: Invitae Variant Classification Sherloc (09022015). Collection method: clinical testing. Allele origin: germline.
Comment: This sequence change replaces aspartic acid, which is acidic and polar, with glutamic acid, which is acidic and polar, at codon 1390 of the DMD protein (p.Asp1390Glu). This variant is present in population databases (no rsID available, gnomAD 0.001%). This variant has not been reported in the literature in individuals affected with DMD-related conditions. ClinVar contains an entry for this variant (Variation ID: 287665). Advanced modeling of protein sequence and biophysical properties (such as structural, functional, and spatial information, amino acid conservation, physicochemical variation, residue mobility, and thermodynamic stability) performed at Invitae indicates that this missense variant is not expected to disrupt DMD protein function. In summary, the available evidence is currently insufficient to determine the role of this variant in disease. Therefore, it has been classified as a Variant of Uncertain Significance.

Eurofins Ntd Llc (ga)
Classification: Uncertain significance. Last evaluated: 2016-04-25. Review status: criteria provided, single submitter. Criteria: EGL Classification Definitions 2015. Collection method: clinical testing. Allele origin: germline. Observed: 1 variant allele, 1 heterozygote.